The following is an entry in ClinVar:

NM_015909.4(NBAS):c.1215A>G (p.Arg405=)

Gene: NBAS (NBAS subunit of NRZ tethering complex; minus strand). Cytogenetic location: 2p24.3.
Variant type: single nucleotide variant.
Coding change: c.1215A>G on transcript NM_015909.4 (MANE Select); coding-DNA position 1215, A replaced by G.
Protein change: p.Arg405=; no amino-acid change (arginine 405 retained).
Molecular consequence: synonymous variant. On other transcripts: non-coding transcript variant (1).
Genome position (GRCh38, 1-based): chr2:15,475,813, T>C on the plus strand (A>G on the coding strand, the complement: NBAS is on the minus strand). VCF-style: chr2-15475813-T-C. GRCh37 (hg19) VCF-style: chr2-15615937-T-C.
Other names: c.1215A>G (NM_015909.3).
Identifiers: ClinVar variation 1169712 (VCV001169712.10), dbSNP rs546116983, ClinGen allele CA1536740.

ClinVar aggregate classification (germline): Benign/Likely benign. Review status: criteria provided, multiple submitters, no conflicts (2 of 4 stars). 2 submissions from 2 submitters: Benign (1); Likely benign (1). Last evaluated 2026-02-02.

Conditions:
NBAS-related disorder. Also called: NBAS-related condition.

Allele frequency attached by ClinVar (database versions not stated): 1000 Genomes Project 30x 0.00016; 1000 Genomes Project 0.00020; ExAC 0.00029.
gnomAD v4.1: 180 of 1,614,108 alleles (0.011%); highest among the groups gnomAD compares: South Asian, 0.19%; 1 homozygote.

Submissions (2):

Labcorp Genetics (formerly Invitae), Labcorp
Classification: Benign. Last evaluated: 2026-02-02. Review status: criteria provided, single submitter. Criteria: Invitae Variant Classification Sherloc (09022015). Collection method: clinical testing. Allele origin: germline.

PreventionGenetics, part of Exact Sciences
Classification: Likely benign for NBAS-related condition. Last evaluated: 2026-01-17. Review status: criteria provided, single submitter. Criteria: ACMG Guidelines, 2015. Collection method: clinical testing. Allele origin: germline.
Comment: This variant is classified as likely benign based on ACMG/AMP sequence variant interpretation guidelines (Richards et al. 2015 PMID: 25741868, with internal and published modifications).